The following is an entry in ClinVar:

ClinVar aggregate classification (germline): Uncertain significance (1 of 4 stars; one submission).

Submission:

Labcorp Genetics (formerly Invitae), Labcorp
Classification: Uncertain significance. Last evaluated: 2022-08-15. Review status: criteria provided, single submitter. Criteria: Invitae Variant Classification Sherloc (09022015). Collection method: clinical testing. Allele origin: germline.
Comment: Variants that disrupt the consensus splice site are a relatively common cause of aberrant splicing (PMID: 17576681, 9536098). Algorithms developed to predict the effect of sequence changes on RNA splicing suggest that this variant may disrupt the consensus splice site. This sequence change falls in intron 11 of the IGF1R gene. It does not directly change the encoded amino acid sequence of the IGF1R protein. It affects a nucleotide within the consensus splice site. This variant is not present in population databases (gnomAD no frequency). This variant has not been reported in the literature in individuals affected with IGF1R-related conditions. ClinVar contains an entry for this variant (Variation ID: 1428025). In summary, the available evidence is currently insufficient to determine the role of this variant in disease. Therefore, it has been classified as a Variant of Uncertain Significance.

Literature cited by the submitters: PubMed 17576681; PubMed 9536098.

NM_000875.5(IGF1R):c.2486-3C>A

Gene: IGF1R (insulin like growth factor 1 receptor; plus strand). Cytogenetic location: 15q26.3.
Variant type: single nucleotide variant.
Coding change: c.2486-3C>A on transcript NM_000875.5 (MANE Select); 3 bases into the intron before coding-DNA position 2486, C replaced by A.
Molecular consequence: intron variant.
Genome position (GRCh38, 1-based): chr15:98,923,873, C>A. VCF-style: chr15-98923873-C-A. GRCh37 (hg19) VCF-style: chr15-99467102-C-A.
Other names: c.2486-3C>A (NM_001291858.2).
Identifiers: ClinVar variation 1428025 (VCV001428025.6), dbSNP rs2151693329, ClinGen allele CA2573151364.